The following is an entry in ClinVar:

ClinVar aggregate classification (germline): Uncertain significance (1 of 4 stars; one submission).

gnomAD v4.1: 1 of 1,211,289 alleles (0.000083%); highest among the groups gnomAD compares: Non-Finnish European, 0.00011%; no homozygotes.

Submission:

GeneDx
Classification: Uncertain significance. Last evaluated: 2024-10-06. Review status: criteria provided, single submitter. Criteria: GeneDx Variant Classification Process June 2021. Collection method: clinical testing. Allele origin: germline. Affected: yes.
Comment: Not observed at significant frequency in large population cohorts (gnomAD); In silico analysis supports that this missense variant has a deleterious effect on protein structure/function; Has not been previously published as pathogenic or benign to our knowledge; Variants in candidate genes are classified as variants of uncertain significance in accordance with ACMG guidelines (PMID: 25741868)

NM_014370.4(SRPK3):c.1418G>C (p.Arg473Pro)

Gene: SRPK3 (SRSF protein kinase 3; plus strand). Cytogenetic location: Xq28.
Variant type: single nucleotide variant.
Coding change: c.1418G>C on transcript NM_014370.4 (MANE Select); coding-DNA position 1418, G replaced by C.
Protein change: p.Arg473Pro; replaces arginine 473 with proline.
Molecular consequence: missense variant.
Genome position (GRCh38, 1-based): chrX:153,784,995, G>C. VCF-style: chrX-153784995-G-C. GRCh37 (hg19) VCF-style: chrX-153050450-G-C.
Other names: c.1415G>C, p.Arg472Pro (NM_001170760.2); c.1316G>C, p.Arg439Pro (NM_001170761.2); short protein forms R439P, R472P, R473P.
Identifiers: ClinVar variation 3776726 (VCV003776726.1).
Genomic context (GRCh38, chrX:153,784,995, plus strand): 5'-CCTTCGAGCTGGCCACTGGTGACTACCTGTTCGAGCCGCATTCTGGAGAAGACTACAGTC[G>C]TGATGAGGGTAAGGGGTGAGGGCTCTGGGCTCAGCCTCCCGGCCTCCCGGCCTGCCTGCC-3'
Protein context (NP_055185.2, residues 463-483): FEPHSGEDYS[Arg473Pro]DEDHIAHIVE